The following is an entry in ClinVar:

ClinVar aggregate classification (germline): Uncertain significance (1 of 4 stars; one submission).

Conditions:
ZNF41-related disorder. Also called: ZNF41-related condition.

Submission:

PreventionGenetics, part of Exact Sciences
Classification: Uncertain significance for ZNF41-related condition. Last evaluated: 2023-06-12. Review status: criteria provided, single submitter. Criteria: ACMG Guidelines, 2015. Collection method: clinical testing. Allele origin: germline.
Comment: The ZNF41 c.1229A>G variant is predicted to result in the amino acid substitution p.His410Arg. To our knowledge, this variant has not been reported in the literature or in a large population database, indicating this variant is rare. At this time, the clinical significance of this variant is uncertain due to the absence of conclusive functional and genetic evidence.

NM_001324144.2(ZNF41):c.1229A>G (p.His410Arg)

Gene: ZNF41 (zinc finger protein 41; minus strand). Cytogenetic location: Xp11.3.
Variant type: single nucleotide variant.
Coding change: c.1229A>G on transcript NM_001324144.2 (MANE Select); coding-DNA position 1229, A replaced by G.
Protein change: p.His410Arg; replaces histidine 410 with arginine.
Molecular consequence: missense variant.
Genome position (GRCh38, 1-based): chrX:47,448,541, T>C on the plus strand (A>G on the coding strand, the complement: ZNF41 is on the minus strand). VCF-style: chrX-47448541-T-C. GRCh37 (hg19) VCF-style: chrX-47307940-T-C.
Other names: c.971A>G, p.His324Arg (NM_001324139.2, NM_001324141.2, NM_001324143.2 and 3 more transcripts); c.1229A>G, p.His410Arg (NM_001324140.2, NM_001324147.2, NM_001324150.2 and 2 more transcripts); c.1235A>G, p.His412Arg (NM_001324142.2, NM_001324148.2); c.1259A>G, p.His420Arg (NM_001324151.2, NM_001324153.2); c.1331A>G, p.His444Arg (NM_001324154.1); c.1355A>G, p.His452Arg (NM_001324155.1); c.1127A>G, p.His376Arg (NM_001324156.1); c.1121A>G, p.His374Arg (NM_001324157.1); short protein forms H324R, H374R, H376R, H410R, H412R, H420R, H444R, H452R.
Identifiers: ClinVar variation 2629282 (VCV002629282.1), dbSNP rs868329425, ClinGen allele CA413055348.